The following is an entry in ClinVar:

ClinVar aggregate classification (germline): Pathogenic (1 of 4 stars; one submission).

Conditions:
GLB1-related disorder. Also called: GLB1-related disorders. Identifiers: MedGen CN377807.

gnomAD v4.1: 1 of 1,614,246 alleles (0.000062%); highest among the groups gnomAD compares: Non-Finnish European, 0.000085%; no homozygotes.

Submission:

Greenwood Genetic Center Diagnostic Laboratories, Greenwood Genetic Center
Classification: Pathogenic for GLB1-related disorder. Last evaluated: 2024-12-12. Review status: criteria provided, single submitter. Criteria: ACMG Guidelines, 2015. Collection method: clinical testing. Allele origin: germline. Affected: yes.
Comment: PVS1, PM2, PM3_Supporting

NM_000404.4(GLB1):c.955+2T>A

Gene: GLB1 (galactosidase beta 1; minus strand). Cytogenetic location: 3p22.3.
Variant type: single nucleotide variant.
Coding change: c.955+2T>A on transcript NM_000404.4 (MANE Select); the canonical splice donor site of the intron after coding-DNA position 955, T replaced by A.
Molecular consequence: splice donor variant.
Genome position (GRCh38, 1-based): chr3:33,051,756, A>T on the plus strand (T>A on the coding strand, the complement: GLB1 is on the minus strand). VCF-style: chr3-33051756-A-T. GRCh37 (hg19) VCF-style: chr3-33093248-A-T.
Other names: c.955+2T>A (NM_001393580.1); c.562+2T>A (NM_001135602.3); c.1099+2T>A (NM_001317040.2); c.865+2T>A (NM_001079811.3).
Identifiers: ClinVar variation 3765821 (VCV003765821.1).